The following is an entry in ClinVar:

ClinVar aggregate classification (germline): Uncertain significance (1 of 4 stars; one submission).

Submission:

Ambry Genetics
Classification: Uncertain significance. Last evaluated: 2026-05-14. Review status: criteria provided, single submitter. Criteria: Ambry Variant Classification Scheme 2023. Collection method: clinical testing. Allele origin: germline.
Comment: The p.F203L variant (also known as c.607T>C), located in coding exon 2 of the PALLD gene, results from a T to C substitution at nucleotide position 607. The phenylalanine at codon 203 is replaced by leucine, an amino acid with highly similar properties. This amino acid position is conserved. In addition, the in silico prediction for this alteration is inconclusive. Based on the available evidence, the clinical significance of this variant remains unclear.

NM_001166108.2(PALLD):c.2068T>C (p.Phe690Leu)

Gene: PALLD (palladin, cytoskeletal associated protein; plus strand). Cytogenetic location: 4q32.3.
Variant type: single nucleotide variant.
Coding change: c.2068T>C on transcript NM_001166108.2 (MANE Select); coding-DNA position 2068, T replaced by C.
Protein change: p.Phe690Leu; replaces phenylalanine 690 with leucine.
Molecular consequence: missense variant. On other transcripts: 5 prime UTR variant (4).
Genome position (GRCh38, 1-based): chr4:168,891,025, T>C. VCF-style: chr4-168891025-T-C. GRCh37 (hg19) VCF-style: chr4-169812176-T-C.
Other names: c.922T>C, p.Phe308Leu (NM_001166109.2); c.607T>C, p.Phe203Leu (NM_001166110.2); c.-54T>C (NM_001367567.1, NM_001367568.1, NM_001367569.1 and 1 more transcripts); c.2068T>C, p.Phe690Leu (NM_016081.4); short protein forms F203L, F308L, F690L.
Identifiers: ClinVar variation 4861551 (VCV004861551.1).